The following is an entry in ClinVar:

ClinVar aggregate classification (germline): Uncertain significance. Review status: criteria provided, multiple submitters, no conflicts (2 of 4 stars). 4 submissions from 4 submitters: Uncertain significance (4). Last evaluated 2026-01-20.

Conditions:
Global developmental delay - lung cysts - overgrowth - Wilms tumor syndrome. Also called: GLOW Syndrome; GLOBAL DEVELOPMENTAL DELAY, LUNG CYSTS, OVERGROWTH, AND WILMS TUMOR. Identifiers: Orphanet 404476, MedGen C4748924, MONDO:0018445, OMIM 618272.
DICER1-related tumor predisposition. Also called: DICER1 syndrome; DICER1-related pleuropulmonary blastoma cancer predisposition syndrome. Identifiers: Orphanet 284343, MedGen C3839822, MONDO:0100216.
Hereditary cancer-predisposing syndrome. Also called: Hereditary neoplastic syndrome; Tumor predisposition; Hereditary Cancer Syndrome; Neoplastic Syndromes, Hereditary. Identifiers: Orphanet 140162, MedGen C0027672, MeSH D009386, MONDO:0015356.

Allele frequency attached by ClinVar (database versions not stated): gnomAD exomes below 0.00001; gnomAD 0.00001.
gnomAD v4.1: 7 of 1,605,672 alleles (0.00044%); highest among the groups gnomAD compares: African/African-American, 0.0014%; no homozygotes.

Submissions (4):

Labcorp Genetics (formerly Invitae), Labcorp
Classification: Uncertain significance for DICER1-related tumor predisposition. Last evaluated: 2026-01-20. Review status: criteria provided, single submitter. Criteria: Invitae Variant Classification Sherloc (09022015). Collection method: clinical testing. Allele origin: germline.
Comment: This sequence change replaces glutamic acid, which is acidic and polar, with lysine, which is basic and polar, at codon 1401 of the DICER1 protein (p.Glu1401Lys). This variant is not present in population databases (gnomAD no frequency). This variant has not been reported in the literature in individuals affected with DICER1-related conditions. ClinVar contains an entry for this variant (Variation ID: 579670). Invitae Evidence Modeling of protein sequence and biophysical properties (such as structural, functional, and spatial information, amino acid conservation, physicochemical variation, residue mobility, and thermodynamic stability) indicates that this missense variant is not expected to disrupt DICER1 protein function with a negative predictive value of 95%. In summary, the available evidence is currently insufficient to determine the role of this variant in disease. Therefore, it has been classified as a Variant of Uncertain Significance.

Ambry Genetics
Classification: Uncertain significance for Hereditary cancer-predisposing syndrome. Last evaluated: 2025-10-29. Review status: criteria provided, single submitter. Criteria: Ambry Variant Classification Scheme 2023. Collection method: clinical testing. Allele origin: germline.

Baylor Genetics
Classification: Uncertain significance for Global developmental delay - lung cysts - overgrowth - Wilms tumor syndrome. Last evaluated: 2023-09-08. Review status: criteria provided, single submitter. Criteria: ACMG Guidelines, 2015. Collection method: clinical testing. Allele origin: unknown.

GeneDx
Classification: Uncertain significance. Last evaluated: 2023-01-26. Review status: criteria provided, single submitter. Criteria: GeneDx Variant Classification Process June 2021. Collection method: clinical testing. Allele origin: germline. Affected: yes.
Comment: Not observed at significant frequency in large population cohorts (gnomAD); In silico analysis supports that this missense variant does not alter protein structure/function; Has not been previously published as pathogenic or benign to our knowledge

NM_177438.3(DICER1):c.4201G>A (p.Glu1401Lys)

Gene: DICER1 (dicer 1, ribonuclease III; minus strand). Cytogenetic location: 14q32.13.
Variant type: single nucleotide variant.
Coding change: c.4201G>A on transcript NM_177438.3 (MANE Select); coding-DNA position 4201, G replaced by A.
Protein change: p.Glu1401Lys; replaces glutamic acid 1401 with lysine.
Molecular consequence: missense variant.
Genome position (GRCh38, 1-based): chr14:95,099,785, C>T on the plus strand (G>A on the coding strand, the complement: DICER1 is on the minus strand). VCF-style: chr14-95099785-C-T. GRCh37 (hg19) VCF-style: chr14-95566122-C-T.
Other names: c.4201G>A, p.Glu1401Lys (NM_001195573.1, NM_001271282.3, NM_001291628.2 and 1 more transcripts); short protein forms E1401K.
Identifiers: ClinVar variation 579670 (VCV000579670.15), dbSNP rs1566761421, ClinGen allele CA390871709.